The following is an entry in ClinVar:

ClinVar aggregate classification (germline): Likely pathogenic. Review status: criteria provided, multiple submitters, no conflicts (2 of 4 stars). 2 submissions from 2 submitters: Likely pathogenic (2). Last evaluated 2024-10-13.

Conditions:
Alagille syndrome due to a JAG1 point mutation. Also called: JAG1-Related Alagille Syndrome; HEPATIC DUCTULAR HYPOPLASIA, SYNDROMATIC; Alagille Syndrome 1. Identifiers: Orphanet 261619, Orphanet 52, MedGen C1956125, MONDO:0016862, OMIM 118450.
JAG1-related disorder. Also called: JAG1-related condition; JAG1-related disorders.

Submissions (2):

PreventionGenetics, part of Exact Sciences
Classification: Likely pathogenic for JAG1-related condition. Last evaluated: 2024-10-13. Review status: criteria provided, single submitter. Criteria: ACMG Guidelines, 2015. Collection method: clinical testing. Allele origin: germline.
Comment: The JAG1 c.2732G>A variant is predicted to result in the amino acid substitution p.Cys911Tyr. This variant was reported in multiple individuals with Alagille syndrome and has been shown to impact protein function (Warthen et al. 2006. PubMed ID: 16575836; Gilbert et al. 2019. PubMed ID: 31343788). This variant has not been reported in a large population database (gnomAD), indicating this variant is rare. This variant is interpreted as likely pathogenic.

Labcorp Genetics (formerly Invitae), Labcorp
Classification: Likely pathogenic for Alagille syndrome due to a JAG1 point mutation. Last evaluated: 2020-08-20. Review status: criteria provided, single submitter. Criteria: Invitae Variant Classification Sherloc (09022015). Collection method: clinical testing. Allele origin: germline.
Comment: This sequence change replaces cysteine with tyrosine at codon 911 of the JAG1 protein (p.Cys911Tyr). The cysteine residue is highly conserved and there is a large physicochemical difference between cysteine and tyrosine. This variant is not present in population databases (ExAC no frequency). This variant has been observed in individual(s) with Alagille syndrome (PMID: 16575836, 31343788). This variant has been reported to affect JAG1 protein function (PMID: 31343788). In summary, the currently available evidence indicates that the variant is pathogenic, but additional data are needed to prove that conclusively. Therefore, this variant has been classified as Likely Pathogenic.

Literature cited by the submitters: PubMed 16575836 (cited by Labcorp Genetics (formerly Invitae), Labcorp); PubMed 31343788 (cited by Labcorp Genetics (formerly Invitae), Labcorp).

NM_000214.3(JAG1):c.2732G>A (p.Cys911Tyr)

Gene: JAG1 (jagged canonical Notch ligand 1; minus strand). Cytogenetic location: 20p12.2.
Variant type: single nucleotide variant.
Coding change: c.2732G>A on transcript NM_000214.3 (MANE Select); coding-DNA position 2732, G replaced by A.
Protein change: p.Cys911Tyr; replaces cysteine 911 with tyrosine.
Molecular consequence: missense variant.
Genome position (GRCh38, 1-based): chr20:10,641,644, C>T on the plus strand (G>A on the coding strand, the complement: JAG1 is on the minus strand). VCF-style: chr20-10641644-C-T. GRCh37 (hg19) VCF-style: chr20-10622292-C-T.
Other names: c.2732G>A (NM_000214.2); short protein forms C911Y.
Identifiers: ClinVar variation 1066031 (VCV001066031.10), dbSNP rs1555827782, ClinGen allele CA408245094.